The following is an entry in ClinVar:

NM_000088.4(COL1A1):c.1994G>C (p.Gly665Ala)

Gene: COL1A1 (collagen type I alpha 1 chain; minus strand). Cytogenetic location: 17q21.33.
Variant type: single nucleotide variant.
Coding change: c.1994G>C on transcript NM_000088.4 (MANE Select); coding-DNA position 1994, G replaced by C.
Protein change: p.Gly665Ala; replaces glycine 665 with alanine.
Molecular consequence: missense variant.
Genome position (GRCh38, 1-based): chr17:50,192,014, C>G on the plus strand (G>C on the coding strand, the complement: COL1A1 is on the minus strand). VCF-style: chr17-50192014-C-G. GRCh37 (hg19) VCF-style: chr17-48269375-C-G.
Other names: short protein forms G665A.
Identifiers: ClinVar variation 3634726 (VCV003634726.2).

ClinVar aggregate classification (germline): Likely pathogenic (1 of 4 stars; one submission).

Conditions:
Osteogenesis imperfecta type I (OI1). Also called: Lobstein's Disease; Lobstein disease; Classic Non-deforming Osteogenesis Imperfecta with Blue Sclerae; OI, TYPE I; OSTEOGENESIS IMPERFECTA TARDA; OSTEOGENESIS IMPERFECTA WITH BLUE SCLERAE. Identifiers: Orphanet 216796, Orphanet 666, MedGen C0023931, MONDO:0008146, OMIM 166200. Disease mechanism: loss of function.

Submission:

Labcorp Genetics (formerly Invitae), Labcorp
Classification: Likely pathogenic for Osteogenesis imperfecta type I. Last evaluated: 2024-02-16. Review status: criteria provided, single submitter. Criteria: Invitae Variant Classification Sherloc (09022015). Collection method: clinical testing. Allele origin: germline.
Comment: This sequence change replaces glycine, which is neutral and non-polar, with alanine, which is neutral and non-polar, at codon 665 of the COL1A1 protein (p.Gly665Ala). This variant is not present in population databases (gnomAD no frequency). This missense change has been observed in individual(s) with clinical features of osteogenesis imperfecta (Invitae). Advanced modeling of protein sequence and biophysical properties (such as structural, functional, and spatial information, amino acid conservation, physicochemical variation, residue mobility, and thermodynamic stability) performed at Invitae indicates that this missense variant is expected to disrupt COL1A1 protein function with a positive predictive value of 95%. This variant disrupts the triple helix domain of COL1A1. Glycine residues within the Gly-Xaa-Yaa repeats of the triple helix domain are required for the structure and stability of fibrillar collagens (PMID: 7695699, 8218237, 19344236). In COL1A1, variants affecting these glycine residues are significantly enriched in individuals with disease (PMID: 9016532, 17078022) compared to the general population (ExAC). In summary, the currently available evidence indicates that the variant is pathogenic, but additional data are needed to prove that conclusively. Therefore, this variant has been classified as Likely Pathogenic.

Literature cited by the submitters: PubMed 7695699; PubMed 8218237; PubMed 19344236; PubMed 9016532; PubMed 17078022.